The following is an entry in ClinVar:

ClinVar aggregate classification (germline): Likely benign. Review status: criteria provided, multiple submitters, no conflicts (2 of 4 stars). 3 submissions from 3 submitters: Likely benign (3). Last evaluated 2024-09-04.

Conditions:
Neurodevelopmental disorder with regression, abnormal movements, loss of speech, and seizures. Identifiers: Orphanet 597623, MedGen C4748127, MONDO:0060759, OMIM 618088.

Submissions (3):

Blueprint Genetics
Classification: Likely benign. Last evaluated: 2024-09-04. Review status: criteria provided, single submitter. Criteria: ACMG Guidelines, 2015. Collection method: clinical testing. Allele origin: germline.

CeGaT Center for Human Genetics Tuebingen
Classification: Likely benign. Last evaluated: 2024-06-01. Review status: criteria provided, single submitter. Criteria: CeGaT Center For Human Genetics Tuebingen Variant Classification Criteria Version 2. Collection method: clinical testing. Allele origin: germline. Affected: yes. Observed: 1 variant allele.
Comment: IRF2BPL: BS1

Department of Pathology and Laboratory Medicine, Sinai Health System
Classification: Likely benign for Neurodevelopmental disorder with regression, abnormal movements, loss of speech, and seizures. Last evaluated: 2022-02-14. Review status: criteria provided, single submitter. Criteria: ACMG Guidelines, 2015. Collection method: research. Allele origin: germline.

NM_024496.4(IRF2BPL):c.279AGC[1] (p.Ala102del)

Genes: IRF2BPL (interferon regulatory factor 2 binding protein like; minus strand), LOC107984638 (uncharacterized LOC107984638; plus strand). Cytogenetic location: 14q24.3.
Variant type: Microsatellite.
Coding change: c.279AGC[1] on transcript NM_024496.4 (MANE Select); one copy of the 3-base unit AGC starting at c.279; the reference has two copies in a row; one copy, 3 bases deleted.
Protein change: p.Ala102del; deletes alanine 102.
Molecular consequence: inframe deletion.
Genome position (GRCh38, 1-based): chr14:77,027,509-77,027,511, GCT deleted on the plus strand (AGC on the coding strand, the reverse complement: IRF2BPL is on the minus strand); deleting any 3 consecutive bases within chr14:77,027,509-77,027,516 gives the same sequence; the position shown is the placement nearest the transcript's 3' end. VCF-style (leftmost placement, unchanged base first): chr14-77027508-CGCT-C. GRCh37 (hg19) VCF-style: chr14-77493851-CGCT-C.
Other names: short protein forms A102del.
Identifiers: ClinVar variation 3250635 (VCV003250635.20), dbSNP rs770435618.